The following is an entry in ClinVar:

NM_172107.4(KCNQ2):c.1988A>G (p.Glu663Gly)

Gene: KCNQ2 (potassium voltage-gated channel subfamily Q member 2; minus strand). Cytogenetic location: 20q13.33.
Variant type: single nucleotide variant.
Coding change: c.1988A>G on transcript NM_172107.4 (MANE Select); coding-DNA position 1988, A replaced by G.
Protein change: p.Glu663Gly; replaces glutamic acid 663 with glycine.
Molecular consequence: missense variant.
Genome position (GRCh38, 1-based): chr20:63,407,275, T>C on the plus strand (A>G on the coding strand, the complement: KCNQ2 is on the minus strand). VCF-style: chr20-63407275-T-C. GRCh37 (hg19) VCF-style: chr20-62038628-T-C.
Other names: c.1904A>G, p.Glu635Gly (NM_004518.6); c.1934A>G, p.Glu645Gly (NM_172106.3); c.1895A>G, p.Glu632Gly (NM_172108.5); short protein forms E663G, E635G, E645G, E632G.
Identifiers: ClinVar variation 2065618 (VCV002065618.6), dbSNP rs758747437, ClinGen allele CA315513.
Genomic context (GRCh38, chr20:63,407,275, plus strand): 5'-TGCCTGTCGACATGCTCCCGGCTGTCTTCCGGGCTGTGGTACGGCGGCGCCGGCTCCGGC[T>C]CTTTGGCCCCAAAGTAGGCCTCGGTCTCTGTCGGGGGGATGCCCATCCGCTGCATGTAGA-3'
Protein context (NP_742105.1, residues 653-673): TETEAYFGAK[Glu663Gly]PEPAPPYHSP

ClinVar aggregate classification (germline): Uncertain significance (1 of 4 stars; one submission).

Conditions:
Early-infantile DEE. Also called: Early infantile epileptic encephalopathy with suppression bursts; Early infantile epileptic encephalopathy; Ohtahara syndrome. Identifiers: Orphanet 1934, MedGen C0393706, MONDO:0800491.

Allele frequency attached by ClinVar (database versions not stated): gnomAD 0.00001; gnomAD exomes 0.00002; TOPMed 0.00002; ExAC 0.00004.
gnomAD v4.1: 28 of 1,595,908 alleles (0.0018%); highest among the groups gnomAD compares: East Asian, 0.034%; no homozygotes.

Submissions (2):

Labcorp Genetics (formerly Invitae), Labcorp
Classification: Uncertain significance for Early-infantile DEE. Last evaluated: 2024-09-17. Review status: criteria provided, single submitter. Criteria: Invitae Variant Classification Sherloc (09022015). Collection method: clinical testing. Allele origin: germline.
Comment: This sequence change replaces glutamic acid, which is acidic and polar, with glycine, which is neutral and non-polar, at codon 663 of the KCNQ2 protein (p.Glu663Gly). This variant is present in population databases (rs758747437, gnomAD 0.06%). This variant has not been reported in the literature in individuals affected with KCNQ2-related conditions. ClinVar contains an entry for this variant (Variation ID: 2065618). An algorithm developed to predict the effect of missense changes on protein structure and function (PolyPhen-2) suggests that this variant is likely to be disruptive. Experimental studies have shown that this missense change does not substantially affect KCNQ2 function (PMID: 35104249). In summary, the available evidence is currently insufficient to determine the role of this variant in disease. Therefore, it has been classified as a Variant of Uncertain Significance.

Channelopathy-Associated Epilepsy Research Center
No classification provided (evidence only). Condition: Complex neurodevelopmental disorder. Review status: no classification provided. Collection method: literature only. Allele origin: not applicable. Functional consequence: Normal peak current, Normal rate of activation, Normal voltage dependence of activation. Not counted in ClinVar's aggregate classification.
ClinVar note: "not provided" was previously submitted as the classification for the variant. However, the classification appeared to be based only on an observation of functional data so it was converted to no classification on 2025-07-30.

Literature cited by the submitters: PubMed 35104249 (cited by Labcorp Genetics (formerly Invitae), Labcorp and Channelopathy-Associated Epilepsy Research Center).